The following is an entry in ClinVar:

NM_032551.5(KISS1R):c.324G>A (p.Trp108Ter)

Gene: KISS1R (KISS1 receptor; plus strand). Cytogenetic location: 19p13.3.
Variant type: single nucleotide variant.
Coding change: c.324G>A on transcript NM_032551.5 (MANE Select); coding-DNA position 324, G replaced by A.
Protein change: p.Trp108Ter; replaces tryptophan 108 with a stop codon.
Molecular consequence: nonsense.
Genome position (GRCh38, 1-based): chr19:918,623, G>A. VCF-style: chr19-918623-G-A. GRCh37 (hg19) VCF-style: chr19-918623-G-A.
Other names: short protein forms W108*.
Identifiers: ClinVar variation 4699538 (VCV004699538.1).
Genomic context (GRCh38, chr19:918,623, plus strand): 5'-CGTGACCTTCCTCCTGTGCTGCGTCCCCTTCACGGCCCTGCTGTACCCGCTGCCCGGCTG[G>A]GTGCTGGGCGACTTCATGTGCAAGTTCGTCAACTACATCCAGCAGGTGCGCTCCGGAGCA-3'

ClinVar aggregate classification (germline): Pathogenic (1 of 4 stars; one submission).

Submission:

Labcorp Genetics (formerly Invitae), Labcorp
Classification: Pathogenic. Last evaluated: 2025-08-17. Review status: criteria provided, single submitter. Criteria: Invitae Variant Classification Sherloc (09022015). Collection method: clinical testing. Allele origin: germline.
Comment: This sequence change creates a premature translational stop signal (p.Trp108*) in the KISS1R gene. It is expected to result in an absent or disrupted protein product. Loss-of-function variants in KISS1R are known to be pathogenic (PMID: 20371656, 22619348). This variant is not present in population databases (gnomAD no frequency). This variant has not been reported in the literature in individuals affected with KISS1R-related conditions. For these reasons, this variant has been classified as Pathogenic.

Literature cited by the submitters: PubMed 20371656; PubMed 22619348.